The following is an entry in ClinVar:

NM_002354.3(EPCAM):c.212C>G (p.Ala71Gly)

Gene: EPCAM (epithelial cell adhesion molecule; plus strand). Cytogenetic location: 2p21.
Variant type: single nucleotide variant.
Coding change: c.212C>G on transcript NM_002354.3 (MANE Select); coding-DNA position 212, C replaced by G.
Protein change: p.Ala71Gly; replaces alanine 71 with glycine.
Molecular consequence: missense variant.
Genome position (GRCh38, 1-based): chr2:47,373,835, C>G. VCF-style: chr2-47373835-C-G. GRCh37 (hg19) VCF-style: chr2-47600974-C-G.
Other names: short protein forms A71G.
Identifiers: ClinVar variation 3222092 (VCV003222092.1), dbSNP rs567291767, ClinGen allele CA346722815.

ClinVar aggregate classification (germline): Uncertain significance (1 of 4 stars; one submission).

Conditions:
Hereditary cancer-predisposing syndrome. Also called: Tumor predisposition; Hereditary neoplastic syndrome; Hereditary Cancer Syndrome; Neoplastic Syndromes, Hereditary. Identifiers: Orphanet 140162, MedGen C0027672, MeSH D009386, MONDO:0015356.

gnomAD v4.1: 1 of 1,613,812 alleles (0.000062%); highest among the groups gnomAD compares: African/African-American, 0.0013%; no homozygotes.

Submission:

Ambry Genetics
Classification: Uncertain significance for Hereditary cancer-predisposing syndrome. Last evaluated: 2023-12-14. Review status: criteria provided, single submitter. Criteria: Ambry Variant Classification Scheme 2023. Collection method: clinical testing. Allele origin: germline.
Comment: The p.A71G variant (also known as c.212C>G), located in coding exon 3 of the EPCAM gene, results from a C to G substitution at nucleotide position 212. The alanine at codon 71 is replaced by glycine, an amino acid with similar properties. This amino acid position is conserved. In addition, this alteration is predicted to be tolerated by in silico analysis. Since supporting evidence is limited at this time, the clinical significance of this alteration remains unclear.